The following is an entry in ClinVar:

NM_033028.5(BBS4):c.1510G>A (p.Ala504Thr)

Gene: BBS4 (Bardet-Biedl syndrome 4; plus strand). Cytogenetic location: 15q24.1.
Variant type: single nucleotide variant.
Coding change: c.1510G>A on transcript NM_033028.5 (MANE Select); coding-DNA position 1510, G replaced by A.
Protein change: p.Ala504Thr; replaces alanine 504 with threonine.
Molecular consequence: missense variant. On other transcripts: non-coding transcript variant (2).
Genome position (GRCh38, 1-based): chr15:72,737,537, G>A. VCF-style: chr15-72737537-G-A. GRCh37 (hg19) VCF-style: chr15-73029878-G-A.
Other names: c.1510G>A (NM_033028.4); c.994G>A, p.Ala332Thr (NM_001252678.2); c.1441G>A, p.Ala481Thr (NM_001320665.2); short protein forms A332T, A481T, A504T.
Identifiers: ClinVar variation 2139929 (VCV002139929.2), dbSNP rs1255072166, ClinGen allele CA393081252.

ClinVar aggregate classification (germline): Uncertain significance. Review status: criteria provided, single submitter (1 of 4 stars). 2 submissions from 2 submitters: Uncertain significance (1). 1 of the submissions does not count toward it. Last evaluated 2022-10-17.

Conditions:
Bardet-Biedl syndrome (BBS). Identifiers: Orphanet 110, MedGen C0752166, MONDO:0015229.
BBS4-related disorder. Also called: BBS4-related condition.

Allele frequency attached by ClinVar (database versions not stated): gnomAD exomes below 0.00001.
gnomAD v4.1: 3 of 1,613,056 alleles (0.00019%); highest among the groups gnomAD compares: Non-Finnish European, 0.00025%; no homozygotes.

Submissions (2):

Labcorp Genetics (formerly Invitae), Labcorp
Classification: Uncertain significance for Bardet-Biedl syndrome. Last evaluated: 2022-10-17. Review status: criteria provided, single submitter. Criteria: Invitae Variant Classification Sherloc (09022015). Collection method: clinical testing. Allele origin: germline.
Comment: This sequence change replaces alanine, which is neutral and non-polar, with threonine, which is neutral and polar, at codon 504 of the BBS4 protein (p.Ala504Thr). This variant is present in population databases (no rsID available, gnomAD 0.002%). This variant has not been reported in the literature in individuals affected with BBS4-related conditions. Algorithms developed to predict the effect of missense changes on protein structure and function output the following: SIFT: "Tolerated"; PolyPhen-2: "Benign"; Align-GVGD: "Class C0". The threonine amino acid residue is found in multiple mammalian species, which suggests that this missense change does not adversely affect protein function. In summary, the available evidence is currently insufficient to determine the role of this variant in disease. Therefore, it has been classified as a Variant of Uncertain Significance.

PreventionGenetics, part of Exact Sciences
Classification: Uncertain significance for BBS4-related condition. Last evaluated: 2024-05-23. Review status: no assertion criteria provided. Collection method: clinical testing. Allele origin: germline. Not counted in ClinVar's aggregate classification.
Comment: The BBS4 c.1510G>A variant is predicted to result in the amino acid substitution p.Ala504Thr. To our knowledge, this variant has not been reported in the literature. This variant is reported in 0.0018% of alleles in individuals of European (Non-Finnish) descent in gnomAD. At this time, the clinical significance of this variant is uncertain due to the absence of conclusive functional and genetic evidence.